The following is an entry in ClinVar:

ClinVar aggregate classification (germline): Uncertain significance. Review status: criteria provided, multiple submitters, no conflicts (2 of 4 stars). 3 submissions from 3 submitters: Uncertain significance (3). Last evaluated 2026-01-06.

Conditions:
Inborn genetic diseases. Identifiers: MedGen C0950123, MeSH D030342.

Allele frequency attached by ClinVar (database versions not stated): ExAC 0.00001; gnomAD exomes 0.00001; TOPMed 0.00002; gnomAD 0.00004.

Submissions (3):

Labcorp Genetics (formerly Invitae), Labcorp
Classification: Uncertain significance. Last evaluated: 2026-01-06. Review status: criteria provided, single submitter. Criteria: Invitae Variant Classification Sherloc (09022015). Collection method: clinical testing. Allele origin: germline.
Comment: This sequence change replaces arginine, which is basic and polar, with cysteine, which is neutral and slightly polar, at codon 227 of the FAT1 protein (p.Arg227Cys). This variant is present in population databases (rs774143174, gnomAD 0.004%). This variant has not been reported in the literature in individuals affected with FAT1-related conditions. ClinVar contains an entry for this variant (Variation ID: 1947508). Invitae Evidence Modeling of protein sequence and biophysical properties (such as structural, functional, and spatial information, amino acid conservation, physicochemical variation, residue mobility, and thermodynamic stability) indicates that this missense variant is not expected to disrupt FAT1 protein function with a negative predictive value of 80%. In summary, the available evidence is currently insufficient to determine the role of this variant in disease. Therefore, it has been classified as a Variant of Uncertain Significance.

Ambry Genetics
Classification: Uncertain significance for Inborn genetic diseases. Last evaluated: 2025-03-25. Review status: criteria provided, single submitter. Criteria: Ambry Variant Classification Scheme 2023. Collection method: clinical testing. Allele origin: germline.

Blueprint Genetics
Classification: Uncertain significance. Last evaluated: 2024-09-26. Review status: criteria provided, single submitter. Criteria: ACMG Guidelines, 2015. Collection method: clinical testing. Allele origin: germline.

NM_005245.4(FAT1):c.679C>T (p.Arg227Cys)

Gene: FAT1 (FAT atypical cadherin 1; minus strand). Cytogenetic location: 4q35.2.
Variant type: single nucleotide variant.
Coding change: c.679C>T on transcript NM_005245.4 (MANE Select); coding-DNA position 679, C replaced by T.
Protein change: p.Arg227Cys; replaces arginine 227 with cysteine.
Molecular consequence: missense variant.
Genome position (GRCh38, 1-based): chr4:186,709,149, G>A on the plus strand (C>T on the coding strand, the complement: FAT1 is on the minus strand). VCF-style: chr4-186709149-G-A. GRCh37 (hg19) VCF-style: chr4-187630303-G-A.
Other names: c.679C>T (NM_005245.3); short protein forms R227C.
Identifiers: ClinVar variation 1947508 (VCV001947508.5), dbSNP rs774143174, ClinGen allele CA3167619.
Genomic context (GRCh38, chr4:186,709,149, plus strand): 5'-TGTGCACCGTTAGCTTGGCCATGCTGCTGATGCCACTGCTCCCATACAACTTCATGCCAC[G>A]GTCCGCAGCGAGGATTTCCATCTCATAGAGCTTGGTCTCTAGGTAATCAAGTCTACCAGT-3'
Protein context (NP_005236.2, residues 217-237): LYEMEILAAD[Arg227Cys]GMKLYGSSGI